The following is an entry in ClinVar:

ClinVar aggregate classification (germline): Uncertain significance. Review status: criteria provided, multiple submitters, no conflicts (2 of 4 stars). 2 submissions from 2 submitters: Uncertain significance (2). Last evaluated 2026-07-01.

Conditions:
Inborn genetic diseases. Identifiers: MedGen C0950123, MeSH D030342.
RYR1-related disorder. Also called: RYR1-related condition; RYR1-related disorders. Identifiers: MedGen CN239331.

Allele frequency attached by ClinVar (database versions not stated): gnomAD exomes below 0.00001; ExAC 0.00001.
gnomAD v4.1: 3 of 1,613,882 alleles (0.00019%); highest among the groups gnomAD compares: African/African-American, 0.0027%; no homozygotes.

Submissions (2):

Ambry Genetics
Classification: Uncertain significance for Inborn genetic diseases. Last evaluated: 2026-07-01. Review status: criteria provided, single submitter. Criteria: Ambry Variant Classification Scheme 2023. Collection method: clinical testing. Allele origin: germline.
Comment: The p.G4622A variant (also known as c.13865G>C), located in coding exon 95 of the RYR1 gene, results from a G to C substitution at nucleotide position 13865. The glycine at codon 4622 is replaced by alanine, an amino acid with similar properties. This amino acid position is conserved. In addition, this alteration is predicted to be tolerated by in silico analysis. Based on the available evidence, the clinical significance of this variant remains unclear.

Labcorp Genetics (formerly Invitae), Labcorp
Classification: Uncertain significance for RYR1-related disorder. Last evaluated: 2021-08-31. Review status: criteria provided, single submitter. Criteria: Invitae Variant Classification Sherloc (09022015). Collection method: clinical testing. Allele origin: germline.
Comment: This sequence change replaces glycine with alanine at codon 4622 of the RYR1 protein (p.Gly4622Ala). The glycine residue is moderately conserved and there is a small physicochemical difference between glycine and alanine. This variant is present in population databases (rs760940805, ExAC 0.001%). This variant has not been reported in the literature in individuals affected with RYR1-related conditions. Algorithms developed to predict the effect of missense changes on protein structure and function are either unavailable or do not agree on the potential impact of this missense change (SIFT: "Deleterious"; PolyPhen-2: "Not Available"; Align-GVGD: "Class C0"). In summary, the available evidence is currently insufficient to determine the role of this variant in disease. Therefore, it has been classified as a Variant of Uncertain Significance.

NM_000540.3(RYR1):c.13865G>C (p.Gly4622Ala)

Gene: RYR1 (ryanodine receptor 1; plus strand). Cytogenetic location: 19q13.2.
Variant type: single nucleotide variant.
Coding change: c.13865G>C on transcript NM_000540.3 (MANE Select); coding-DNA position 13865, G replaced by C.
Protein change: p.Gly4622Ala; replaces glycine 4622 with alanine.
Molecular consequence: missense variant.
Genome position (GRCh38, 1-based): chr19:38,572,137, G>C. VCF-style: chr19-38572137-G-C. GRCh37 (hg19) VCF-style: chr19-39062777-G-C.
Other names: c.13865G>C (NM_000540.2); c.13850G>C, p.Gly4617Ala (NM_001042723.2); short protein forms G4617A, G4622A.
Identifiers: ClinVar variation 1064367 (VCV001064367.7), dbSNP rs760940805, ClinGen allele CA060615.